The following is an entry in ClinVar:

ClinVar aggregate classification (germline): Uncertain significance (1 of 4 stars; one submission).

Conditions:
Hereditary cancer-predisposing syndrome. Also called: Hereditary Cancer Syndrome; Tumor predisposition; Hereditary neoplastic syndrome; Neoplastic Syndromes, Hereditary. Identifiers: Orphanet 140162, MedGen C0027672, MeSH D009386, MONDO:0015356.
Cardiovascular phenotype. Identifiers: MedGen CN230736.

Submission:

Ambry Genetics
Classification: Uncertain significance for Cardiovascular phenotype; Hereditary cancer-predisposing syndrome. Last evaluated: 2024-07-19. Review status: criteria provided, single submitter. Criteria: Ambry Variant Classification Scheme 2023. Collection method: clinical testing. Allele origin: germline.
Comment: The p.A1485G variant (also known as c.4454C>G), located in coding exon 33 of the NF1 gene, results from a C to G substitution at nucleotide position 4454. The alanine at codon 1485 is replaced by glycine, an amino acid with similar properties. This amino acid position is highly conserved in available vertebrate species. In addition, the in silico prediction for this alteration is inconclusive. Based on the available evidence, the clinical significance of this variant remains unclear.

NM_001042492.3(NF1):c.4517C>G (p.Ala1506Gly)

Gene: NF1 (neurofibromin 1; plus strand). Cytogenetic location: 17q11.2.
Variant type: single nucleotide variant.
Coding change: c.4517C>G on transcript NM_001042492.3 (MANE Select); coding-DNA position 4517, C replaced by G.
Protein change: p.Ala1506Gly; replaces alanine 1506 with glycine.
Molecular consequence: missense variant.
Genome position (GRCh38, 1-based): chr17:31,260,455, C>G. VCF-style: chr17-31260455-C-G. GRCh37 (hg19) VCF-style: chr17-29587473-C-G.
Other names: c.4454C>G, p.Ala1485Gly (NM_000267.4); short protein forms A1485G, A1506G.
Identifiers: ClinVar variation 3404652 (VCV003404652.1).
Genomic context (GRCh38, chr17:31,260,455, plus strand): 5'-GTCCTACAAGTGATGCAGTAAATCATAGTCTTTCCTTCATAAGTGACGGCAATGTGCTTG[C>G]TTTACATCGTCTACTCTGGAACAATCAGGAGAAAATTGGGCAGTATCTTTCCAGCAACAG-3'
Protein context (NP_001035957.1, residues 1496-1516): LSFISDGNVL[Ala1506Gly]LHRLLWNNQE